The following is an entry in ClinVar:

NM_001148.6(ANK2):c.4203del (p.Phe1401fs)

Gene: ANK2 (ankyrin 2; plus strand). Cytogenetic location: 4q26.
Variant type: Deletion.
Coding change: c.4203del on transcript NM_001148.6 (MANE Select); coding-DNA position 4203, one base deleted (C; older notation c.4203delC).
Protein change: p.Phe1401fs; shifts the reading frame from phenylalanine 1401.
Molecular consequence: frameshift variant.
Genome position (GRCh38, 1-based): chr4:113,343,097, C deleted. VCF-style (leftmost placement, unchanged base first): chr4-113343096-TC-T. GRCh37 (hg19) VCF-style: chr4-114264252-TC-T.
Other names: c.4344del, p.Phe1448fs (NM_001386174.1); c.4320del, p.Phe1440fs (NM_001386175.1); c.4188del, p.Phe1396fs (NM_001386186.2, NM_001386148.2); c.4068del, p.Phe1356fs (NM_001386187.2); c.4203del, p.Phe1401fs (NM_020977.5); c.4176del, p.Phe1392fs (NM_001127493.3); c.4215del, p.Phe1405fs (NM_001354225.2); c.4104del, p.Phe1368fs (NM_001354228.2, NM_001354258.2); and 31 more; short protein forms F1240fs, F1273fs, F1301fs, F1306fs, F1314fs, F1326fs, F1330fs, F1334fs.
Identifiers: ClinVar variation 2672177 (VCV002672177.1), dbSNP rs2504036153, ClinGen allele CA2695198511.

ClinVar aggregate classification (germline): Likely pathogenic (1 of 4 stars; one submission).

Conditions:
Complex neurodevelopmental disorder. Identifiers: Orphanet 528084, MedGen C5568766, MONDO:0100038.

Submission:

Clinical Genomics Laboratory, Washington University in St. Louis
Classification: Likely pathogenic for Complex neurodevelopmental disorder. Last evaluated: 2023-10-31. Review status: criteria provided, single submitter. Criteria: ACMG Guidelines, 2015. Collection method: clinical testing. Allele origin: germline. Affected: yes.
Comment: The ANK2 c.4203del (p.Phe1401LeufsTer31) variant, to our knowledge, has not been reported in the medical literature and is absent from the general population (gnomAD v.2.1.1), indicating it is not a common variant. This variant causes a frameshift by deleting a single nucleotide, leading to a premature termination codon, which is predicted to lead to nonsense mediated decay. Additionally, other variants that introduce a premature termination codon in this region and downstream have been detected in affected individuals and are considered pathogenic (Teunissen MWA et al., PMID: 37195288). Based on available information and the ACMG/AMP guidelines for variant interpretation (Richards S et al., PMID: 25741868), this variant is classified as likely pathogenic.